The following is an entry in ClinVar:

NM_002693.3(POLG):c.2981+6G>T

Gene: POLG (DNA polymerase gamma, catalytic subunit; minus strand). Cytogenetic location: 15q26.1.
Variant type: single nucleotide variant.
Coding change: c.2981+6G>T on transcript NM_002693.3 (MANE Select); 6 bases into the intron after coding-DNA position 2981, G replaced by T.
Molecular consequence: intron variant.
Genome position (GRCh38, 1-based): chr15:89,320,760, C>A on the plus strand (G>T on the coding strand, the complement: POLG is on the minus strand). VCF-style: chr15-89320760-C-A. GRCh37 (hg19) VCF-style: chr15-89863991-C-A.
Other names: c.2981+6G>T (NM_001126131.2).
Identifiers: ClinVar variation 4848361 (VCV004848361.1).
Genomic context (GRCh38, chr15:89,320,760, plus strand): 5'-TACTAAAGGACAGTAAAGCAGGCCTCGGGTCCTGGGTGTTAAAGTGGATGGGAGAGGGAC[C>A]CTCACCAGCGGAGGCCCTTGGTGGCAGCGTACATCTGCTGGGCCTTCTCAGCTGCCTCCT-3'

ClinVar aggregate classification (germline): Uncertain significance (1 of 4 stars; one submission).

Submission:

Women's Health and Genetics/Laboratory Corporation of America, LabCorp
Classification: Uncertain significance. Last evaluated: 2026-04-29. Review status: criteria provided, single submitter. Criteria: LabCorp Variant Classification Summary - May 2015. Collection method: clinical testing. Allele origin: germline.
Comment: Variant summary: POLG c.2981+6G>T alters a conserved nucleotide located close to a canonical splice site and therefore could affect mRNA splicing, leading to a significantly altered protein sequence. Consensus agreement among computation tools predict no significant impact on normal splicing. However, these predictions have yet to be confirmed by functional studies. The variant was absent in 249854 control chromosomes. The available data on variant occurrences in the general population are insufficient to allow any conclusion about variant significance. To our knowledge, no occurrence of c.2981+6G>T in individuals affected with POLG-related conditions and no experimental evidence demonstrating its impact on protein function have been reported. No submitters have cited clinical-significance assessments for this variant to ClinVar. Based on the evidence outlined above, the variant was classified as uncertain significance.